The following is an entry in ClinVar:

NM_000342.4(SLC4A1):c.1931C>G (p.Ser644Ter)

Gene: SLC4A1 (solute carrier family 4 member 1 (Diego blood group); minus strand). Cytogenetic location: 17q21.31.
Variant type: single nucleotide variant.
Coding change: c.1931C>G on transcript NM_000342.4 (MANE Select); coding-DNA position 1931, C replaced by G.
Protein change: p.Ser644Ter; replaces serine 644 with a stop codon.
Molecular consequence: nonsense.
Genome position (GRCh38, 1-based): chr17:44,254,622, G>C on the plus strand (C>G on the coding strand, the complement: SLC4A1 is on the minus strand). VCF-style: chr17-44254622-G-C. GRCh37 (hg19) VCF-style: chr17-42331990-G-C.
Other names: p.Ser644*; short protein forms S644*.
Identifiers: ClinVar variation 4542166 (VCV004542166.1).
Genomic context (GRCh38, chr17:44,254,622, plus strand): 5'-ATCATCCAGATGGGAAACTCGGAACGCAAGCCCAGTGGGTGGATGACCCAGCCCCGGGCT[G>C]AGGAGTTGGACACCTTGAAGCCATCAGGCACCGAGAGTTTCTGTGGGAGGGGGTAGCAGG-3'

ClinVar aggregate classification (germline): Likely pathogenic (1 of 4 stars; one submission).

Submission:

Mayo Clinic Laboratories, Mayo Clinic
Classification: Likely pathogenic. Last evaluated: 2025-05-20. Review status: criteria provided, single submitter. Criteria: ACMG Guidelines, 2015. Collection method: clinical testing. Allele origin: germline. Observed: 1 variant allele.
Comment: PM2_supporting, PVS1